The following is an entry in ClinVar:

ClinVar aggregate classification (germline): Uncertain significance (1 of 4 stars; one submission).

Allele frequency attached by ClinVar (database versions not stated): ExAC 0.00001; TOPMed 0.00001.

Submission:

Labcorp Genetics (formerly Invitae), Labcorp
Classification: Uncertain significance. Last evaluated: 2022-06-04. Review status: criteria provided, single submitter. Criteria: Invitae Variant Classification Sherloc (09022015). Collection method: clinical testing. Allele origin: germline.
Comment: This sequence change replaces alanine, which is neutral and non-polar, with aspartic acid, which is acidic and polar, at codon 37 of the PEX11B protein (p.Ala37Asp). In summary, the available evidence is currently insufficient to determine the role of this variant in disease. Therefore, it has been classified as a Variant of Uncertain Significance. Algorithms developed to predict the effect of missense changes on protein structure and function are either unavailable or do not agree on the potential impact of this missense change (SIFT: "Deleterious"; PolyPhen-2: "Benign"; Align-GVGD: "Class C0"). This variant has not been reported in the literature in individuals affected with PEX11B-related conditions. This variant is present in population databases (rs782218387, gnomAD 0.01%).

NM_003846.3(PEX11B):c.110C>A (p.Ala37Asp)

Gene: PEX11B (peroxisomal biogenesis factor 11 beta; minus strand). Cytogenetic location: 1q21.1.
Variant type: single nucleotide variant.
Coding change: c.110C>A on transcript NM_003846.3 (MANE Select); coding-DNA position 110, C replaced by A.
Protein change: p.Ala37Asp; replaces alanine 37 with aspartic acid.
Molecular consequence: missense variant. On other transcripts: non-coding transcript variant (3).
Genome position (GRCh38, 1-based): chr1:145,917,763, G>T on the plus strand (C>A on the coding strand, the complement: PEX11B is on the minus strand). VCF-style: chr1-145917763-G-T. GRCh37 (hg19) VCF-style: chr1-145517326-C-A.
Other names: c.68C>A, p.Ala23Asp (NM_001184795.1); short protein forms A23D, A37D.
Identifiers: ClinVar variation 1956834 (VCV001956834.5), dbSNP rs782218387, ClinGen allele CA1055509.
Genomic context (GRCh38, chr1:145,917,763, plus strand): 5'-TTTCTTCCAAGGCTCAGGTGGCTCTCCAGTTGTCGAATCTGTTTCTGTAACTCAGGACTG[G>T]CTCCATGCCTCTGCAGCGCATGGCCAAGAAGAGAGCAAGCATACTGGGCGGCCCTAGAGG-3'
Protein context (NP_003837.1, residues 27-47): LLGHALQRHG[Ala37Asp]SPELQKQIRQ